The following is an entry in ClinVar:

ClinVar aggregate classification (germline): Uncertain significance (1 of 4 stars; one submission).

gnomAD v4.1: 18 of 1,613,670 alleles (0.0011%); highest among the groups gnomAD compares: Non-Finnish European, 0.0014%; no homozygotes.

Submission:

Labcorp Genetics (formerly Invitae), Labcorp
Classification: Uncertain significance. Last evaluated: 2026-01-04. Review status: criteria provided, single submitter. Criteria: Invitae Variant Classification Sherloc (09022015). Collection method: clinical testing. Allele origin: germline.
Comment: This sequence change replaces glutamic acid, which is acidic and polar, with glycine, which is neutral and non-polar, at codon 2147 of the CACNA1E protein (p.Glu2147Gly). This variant is present in population databases (no rsID available, gnomAD 0.01%). This variant has not been reported in the literature in individuals affected with CACNA1E-related conditions. Invitae Evidence Modeling of protein sequence and biophysical properties (such as structural, functional, and spatial information, amino acid conservation, physicochemical variation, residue mobility, and thermodynamic stability) indicates that this missense variant is not expected to disrupt CACNA1E protein function with a negative predictive value of 95%. In summary, the available evidence is currently insufficient to determine the role of this variant in disease. Therefore, it has been classified as a Variant of Uncertain Significance.

NM_001205293.3(CACNA1E):c.6569A>G (p.Glu2190Gly)

Gene: CACNA1E (calcium voltage-gated channel subunit alpha1 E; plus strand). Cytogenetic location: 1q25.3.
Variant type: single nucleotide variant.
Coding change: c.6569A>G on transcript NM_001205293.3 (MANE Select); coding-DNA position 6569, A replaced by G.
Protein change: p.Glu2190Gly; replaces glutamic acid 2190 with glycine.
Molecular consequence: missense variant.
Genome position (GRCh38, 1-based): chr1:181,798,461, A>G. VCF-style: chr1-181798461-A-G. GRCh37 (hg19) VCF-style: chr1-181767597-A-G.
Other names: c.6440A>G, p.Glu2147Gly (NM_000721.4); c.6383A>G, p.Glu2128Gly (NM_001205294.2); short protein forms E2128G, E2147G, E2190G.
Identifiers: ClinVar variation 4752207 (VCV004752207.1).